The following is an entry in ClinVar:

NM_001375.3(DNASE2):c.962G>A (p.Arg321Gln)

Gene: DNASE2 (deoxyribonuclease 2, lysosomal; minus strand). Cytogenetic location: 19p13.13.
Variant type: single nucleotide variant.
Coding change: c.962G>A on transcript NM_001375.3 (MANE Select); coding-DNA position 962, G replaced by A.
Protein change: p.Arg321Gln; replaces arginine 321 with glutamine.
Molecular consequence: missense variant.
Genome position (GRCh38, 1-based): chr19:12,876,111, C>T on the plus strand (G>A on the coding strand, the complement: DNASE2 is on the minus strand). VCF-style: chr19-12876111-C-T. GRCh37 (hg19) VCF-style: chr19-12986925-C-T.
Other names: short protein forms R321Q.
Identifiers: ClinVar variation 1395765 (VCV001395765.4), dbSNP rs761957135, ClinGen allele CA9233663.

ClinVar aggregate classification (germline): Uncertain significance (1 of 4 stars; one submission).

Allele frequency attached by ClinVar (database versions not stated): TOPMed below 0.00001; gnomAD 0.00001; gnomAD exomes 0.00002; ExAC 0.00003.
gnomAD v4.1: 28 of 1,613,976 alleles (0.0017%); highest among the groups gnomAD compares: Admixed American, 0.0033%; no homozygotes.

Submission:

Labcorp Genetics (formerly Invitae), Labcorp
Classification: Uncertain significance. Last evaluated: 2022-04-29. Review status: criteria provided, single submitter. Criteria: Invitae Variant Classification Sherloc (09022015). Collection method: clinical testing. Allele origin: germline.
Comment: This sequence change replaces arginine, which is basic and polar, with glutamine, which is neutral and polar, at codon 321 of the DNASE2 protein (p.Arg321Gln). This variant is present in population databases (rs761957135, gnomAD 0.003%). This variant has not been reported in the literature in individuals affected with DNASE2-related conditions. Algorithms developed to predict the effect of missense changes on protein structure and function (SIFT, PolyPhen-2, Align-GVGD) all suggest that this variant is likely to be disruptive. In summary, the available evidence is currently insufficient to determine the role of this variant in disease. Therefore, it has been classified as a Variant of Uncertain Significance.